The following is an entry in ClinVar:

ClinVar aggregate classification (germline): Uncertain significance (1 of 4 stars; one submission).

Allele frequency attached by ClinVar (database versions not stated): ExAC 0.00001; TOPMed 0.00001; gnomAD 0.00002; gnomAD exomes 0.00002.
gnomAD v4.1: 18 of 1,209,511 alleles (0.0015%); highest among the groups gnomAD compares: Non-Finnish European, 0.002%; no homozygotes.

Submission:

GeneDx
Classification: Uncertain significance. Last evaluated: 2019-07-13. Review status: criteria provided, single submitter. Criteria: GeneDx Variant Classification Process June 2021. Collection method: clinical testing. Allele origin: germline. Affected: yes.
Comment: In silico analysis, which includes protein predictors and evolutionary conservation, supports that this variant does not alter protein structure/function; Has not been previously published as pathogenic or benign to our knowledge

NM_181303.2(NLGN3):c.2225G>A (p.Arg742Gln)

Gene: NLGN3 (neuroligin 3; plus strand). Cytogenetic location: Xq13.1.
Variant type: single nucleotide variant.
Coding change: c.2225G>A on transcript NM_181303.2 (MANE Select); coding-DNA position 2225, G replaced by A.
Protein change: p.Arg742Gln; replaces arginine 742 with glutamine.
Molecular consequence: missense variant.
Genome position (GRCh38, 1-based): chrX:71,169,775, G>A. VCF-style: chrX-71169775-G-A. GRCh37 (hg19) VCF-style: chrX-70389625-G-A.
Other names: c.2105G>A, p.Arg702Gln (NM_001166660.2); c.1814G>A, p.Arg605Gln (NM_001321276.2); c.2165G>A, p.Arg722Gln (NM_018977.4); short protein forms R605Q, R702Q, R722Q, R742Q.
Identifiers: ClinVar variation 1307127 (VCV001307127.2), dbSNP rs779740957, ClinGen allele CA10445214.
Genomic context (GRCh38, chrX:71,169,775, plus strand): 5'-ACGTTCTGGCCTTCGCTGCCCTCTACTACCGTAAGGACAAACGGCGCCAGGAGCCCCTGC[G>A]GCAGCCTAGCCCTCAGCGGGGAGCCGGGGCCCCGGAGTTGGGAGCTGCTCCAGAGGAGGA-3'
Protein context (NP_851820.1, residues 732-752): RKDKRRQEPL[Arg742Gln]QPSPQRGAGA